The following is an entry in ClinVar:

ClinVar aggregate classification (germline): Benign/Likely benign. Review status: criteria provided, multiple submitters, no conflicts (2 of 4 stars). 9 submissions from 9 submitters: Benign (4); Likely benign (3). 2 of the submissions do not count toward it. Last evaluated 2026-01-28.

Allele frequency attached by ClinVar (database versions not stated): gnomAD exomes 0.00041 and 0.00103; ExAC 0.00140; gnomAD 0.00435 and 0.00475; ESP Exome Variant Server 0.00454; 1000 Genomes Project 0.00479; 1000 Genomes Project 30x 0.00500; TOPMed 0.00524.
gnomAD v4.1: 1,283 of 1,614,008 alleles (0.079%); highest among the groups gnomAD compares: African/African-American, 1.5%; 17 homozygotes.

Submissions (9):

Labcorp Genetics (formerly Invitae), Labcorp
Classification: Benign. Last evaluated: 2026-01-28. Review status: criteria provided, single submitter. Criteria: Invitae Variant Classification Sherloc (09022015). Collection method: clinical testing. Allele origin: germline.

Blueprint Genetics
Classification: Likely benign. Last evaluated: 2024-11-20. Review status: criteria provided, single submitter. Criteria: ACMG Guidelines, 2015. Collection method: clinical testing. Allele origin: germline.

ARUP Laboratories, Molecular Genetics and Genomics, ARUP Laboratories
Classification: Benign. Last evaluated: 2020-12-17. Review status: criteria provided, single submitter. Criteria: ARUP Molecular Germline Variant Investigation Process 2021. Collection method: clinical testing. Allele origin: germline.

GeneDx
Classification: Benign. Last evaluated: 2020-01-31. Review status: criteria provided, single submitter. Criteria: GeneDx Variant Classification Process June 2021. Collection method: clinical testing. Allele origin: germline. Affected: yes.

Athena Diagnostics
Classification: Likely benign. Last evaluated: 2018-05-25. Review status: criteria provided, single submitter. Criteria: Athena Diagnostics Criteria. Collection method: clinical testing. Allele origin: germline.

Laboratory for Molecular Medicine, Mass General Brigham Personalized Medicine
Classification: Benign. Last evaluated: 2012-02-08. Review status: criteria provided, single submitter. Criteria: LMM Criteria. Collection method: clinical testing. Allele origin: germline. Observed: 6 variant alleles.
Comment: Gly255Asp in exon 2 of DFNB31: This variant is not expected to have clinical sig nificance because it is not located within the splice consensus sequence, and ha s been identified in 1.3% (49/3689) of African American chromosomes from a broad , though clinically unspecified population (NHLBI Exome Sequencing Project;, dbSNP rs79509430).

Breakthrough Genomics
Classification: Likely benign. Review status: criteria provided, single submitter. Criteria: ACMG Guidelines, 2015. Collection method: not provided. Allele origin: germline. Inheritance: Autosomal recessive inheritance. Affected: yes.

Clinical Genetics DNA and cytogenetics Diagnostics Lab, Erasmus MC, Erasmus Medical Center
Classification: Benign. Review status: no assertion criteria provided. Collection method: clinical testing. Allele origin: germline. Affected: yes. Study: VKGL Data-share Consensus. Not counted in ClinVar's aggregate classification.

Clinical Genetics, Academic Medical Center
Classification: Benign. Review status: no assertion criteria provided. Collection method: clinical testing. Allele origin: germline. Affected: yes. Study: VKGL Data-share Consensus. Not counted in ClinVar's aggregate classification.

NM_015404.4(WHRN):c.764G>A (p.Gly255Asp)

Gene: WHRN (whirlin; minus strand). Cytogenetic location: 9q32.
Variant type: single nucleotide variant.
Coding change: c.764G>A on transcript NM_015404.4 (MANE Select); coding-DNA position 764, G replaced by A.
Protein change: p.Gly255Asp; replaces glycine 255 with aspartic acid.
Molecular consequence: missense variant. On other transcripts: 5 prime UTR variant (1).
Genome position (GRCh38, 1-based): chr9:114,478,626, C>T on the plus strand (G>A on the coding strand, the complement: WHRN is on the minus strand). VCF-style: chr9-114478626-C-T. GRCh37 (hg19) VCF-style: chr9-117240906-C-T.
Other names: c.-386G>A (NM_001083885.3); c.764G>A, p.Gly255Asp (NM_001173425.2); short protein forms G255D.
Identifiers: ClinVar variation 45683 (VCV000045683.33), dbSNP rs79509430, ClinGen allele CA136932.
Genomic context (GRCh38, chr9:114,478,626, plus strand): 5'-CCTCCTTGCAGGAGGTGCAGGGTGCTCCTCCGGTCACCCTCCTGCTGCCTCAGGGCACCA[C>T]CGTGGGGCTGGGGCAGGCCCGAGGGTGGGGAGATGCTGCGGCCCTGCGGGTCCACCCAGG-3'
Protein context (NP_056219.3, residues 245-265): SPPSGLPQPH[Gly255Asp]GALRQQEGDR